The following is an entry in ClinVar:

NM_002907.4(RECQL):c.1204A>G (p.Ser402Gly)

Gene: RECQL (RecQ like helicase; minus strand). Cytogenetic location: 12p12.1.
Variant type: single nucleotide variant.
Coding change: c.1204A>G on transcript NM_002907.4 (MANE Select); coding-DNA position 1204, A replaced by G.
Protein change: p.Ser402Gly; replaces serine 402 with glycine.
Molecular consequence: missense variant.
Genome position (GRCh38, 1-based): chr12:21,475,480, T>C on the plus strand (A>G on the coding strand, the complement: RECQL is on the minus strand). VCF-style: chr12-21475480-T-C. GRCh37 (hg19) VCF-style: chr12-21628414-T-C.
Other names: c.1204A>G, p.Ser402Gly (NM_032941.3); short protein forms S402G.
Identifiers: ClinVar variation 1748317 (VCV001748317.2), dbSNP rs1349973500, ClinGen allele CA384119190.
Genomic context (GRCh38, chr12:21,475,480, plus strand): 5'-TTGGAAAAGCTTTCTAAAAATTTACTTCTGGATTTGAGTCCTACATACCTGCACGTCCAC[T>C]CTCTTGGTAATAATTTTCCATGGATTTACTCATTGAATGATGGATAACAAACCTCACATC-3'
Protein context (NP_002898.2, residues 392-412): SKSMENYYQE[Ser402Gly]GRAGRDDMKA

ClinVar aggregate classification (germline): Uncertain significance (1 of 4 stars; one submission).

Allele frequency attached by ClinVar (database versions not stated): gnomAD exomes below 0.00001; TOPMed below 0.00001.
gnomAD v4.1: 2 of 1,608,614 alleles (0.00012%); highest among the groups gnomAD compares: African/African-American, 0.0013%; no homozygotes.

Submission:

Ambry Genetics
Classification: Uncertain significance. Last evaluated: 2024-02-24. Review status: criteria provided, single submitter. Criteria: Ambry Variant Classification Scheme 2023. Collection method: clinical testing. Allele origin: germline.
Comment: The p.S402G variant (also known as c.1204A>G), located in coding exon 9 of the RECQL gene, results from an A to G substitution at nucleotide position 1204. The serine at codon 402 is replaced by glycine, an amino acid with similar properties. This amino acid position is highly conserved in available vertebrate species. In addition, this alteration is predicted to be deleterious by in silico analysis. Since supporting evidence is limited at this time, the clinical significance of this alteration remains unclear.